The following is an entry in ClinVar:

ClinVar aggregate classification (germline): Uncertain significance. Review status: criteria provided, multiple submitters, no conflicts (2 of 4 stars). 2 submissions from 2 submitters: Uncertain significance (2). Last evaluated 2026-07-07.

Conditions:
Tuberous sclerosis 2 (TSC2). Identifiers: Orphanet 805, MedGen C1860707, MONDO:0013199, OMIM 613254.
Hereditary cancer-predisposing syndrome. Also called: Tumor predisposition; Hereditary Cancer Syndrome; Hereditary neoplastic syndrome; Neoplastic Syndromes, Hereditary. Identifiers: Orphanet 140162, MedGen C0027672, MeSH D009386, MONDO:0015356.

Allele frequency attached by ClinVar (database versions not stated): gnomAD exomes below 0.00001.
gnomAD v4.1: 3 of 1,614,202 alleles (0.00019%); highest among the groups gnomAD compares: Non-Finnish European, 0.00025%; no homozygotes.

Submissions (2):

Ambry Genetics
Classification: Uncertain significance for Hereditary cancer-predisposing syndrome. Last evaluated: 2026-07-07. Review status: criteria provided, single submitter. Criteria: Ambry Variant Classification Scheme 2023. Collection method: clinical testing. Allele origin: germline.
Comment: The p.F123L variant (also known as c.367T>C), located in coding exon 4 of the TSC2 gene, results from a T to C substitution at nucleotide position 367. The phenylalanine at codon 123 is replaced by leucine, an amino acid with highly similar properties. This amino acid position is conserved. In addition, the in silico prediction for this alteration is inconclusive. Based on the available evidence, the clinical significance of this variant remains unclear.

Labcorp Genetics (formerly Invitae), Labcorp
Classification: Uncertain significance for Tuberous sclerosis 2. Last evaluated: 2022-08-31. Review status: criteria provided, single submitter. Criteria: Invitae Variant Classification Sherloc (09022015). Collection method: clinical testing. Allele origin: germline.
Comment: In summary, the available evidence is currently insufficient to determine the role of this variant in disease. Therefore, it has been classified as a Variant of Uncertain Significance. Algorithms developed to predict the effect of sequence changes on RNA splicing suggest that this variant may disrupt the consensus splice site. Advanced modeling of protein sequence and biophysical properties (such as structural, functional, and spatial information, amino acid conservation, physicochemical variation, residue mobility, and thermodynamic stability) performed at Invitae indicates that this missense variant is not expected to disrupt TSC2 protein function. This variant has not been reported in the literature in individuals affected with TSC2-related conditions. This variant is not present in population databases (gnomAD no frequency). This sequence change replaces phenylalanine, which is neutral and non-polar, with leucine, which is neutral and non-polar, at codon 123 of the TSC2 protein (p.Phe123Leu).

NM_000548.5(TSC2):c.367T>C (p.Phe123Leu)

Gene: TSC2 (TSC complex subunit 2; plus strand). Cytogenetic location: 16p13.3.
Variant type: single nucleotide variant.
Coding change: c.367T>C on transcript NM_000548.5 (MANE Select); coding-DNA position 367, T replaced by C.
Protein change: p.Phe123Leu; replaces phenylalanine 123 with leucine.
Molecular consequence: missense variant. On other transcripts: intron variant (1).
Genome position (GRCh38, 1-based): chr16:2,054,326, T>C. VCF-style: chr16-2054326-T-C. GRCh37 (hg19) VCF-style: chr16-2104327-T-C.
Other names: c.367T>C, p.Phe123Leu (NM_001077183.3, NM_001114382.3, NM_001363528.2 and 8 more transcripts); c.256T>C, p.Phe86Leu (NM_001318827.2, NM_001406670.1, NM_001406678.1); c.220T>C, p.Phe74Leu (NM_001318829.2, NM_001406675.1, NM_001406676.1 and 1 more transcripts); c.400T>C, p.Phe134Leu (NM_001318832.2); c.457T>C, p.Phe153Leu (NM_001406667.1, NM_001406668.1); c.310T>C, p.Phe104Leu (NM_001406677.1); c.-450T>C (NM_001406680.1, NM_001406683.1, NM_001406687.1); c.-79T>C (NM_001406681.1); and 6 more; short protein forms F86L, F134L, F104L, F123L, F153L, F74L.
Identifiers: ClinVar variation 2066166 (VCV002066166.5), dbSNP rs2548413950, ClinGen allele CA394306662.
Genomic context (GRCh38, chr16:2,054,326, plus strand): 5'-CTCTGCTGATCCTGTGGCTTTTGTCTTTAGGGCGAGCGTTTGGGGGTCCTCAGAGCCCTC[T>C]TCTTTAAGGTCATCAAGGATTACCCTTCCAACGAAGACCTTCACGAAAGGCTGGAGGTTT-3'
Protein context (NP_000539.2, residues 113-133): GERLGVLRAL[Phe123Leu]FKVIKDYPSN